The following is an entry in ClinVar:

NM_006204.4(PDE6C):c.724-1G>T

Gene: PDE6C (phosphodiesterase 6C; plus strand). Cytogenetic location: 10q23.33.
Variant type: single nucleotide variant.
Coding change: c.724-1G>T on transcript NM_006204.4 (MANE Select); the canonical splice acceptor site of the intron before coding-DNA position 724, G replaced by T.
Molecular consequence: splice acceptor variant.
Genome position (GRCh38, 1-based): chr10:93,621,931, G>T. VCF-style: chr10-93621931-G-T. GRCh37 (hg19) VCF-style: chr10-95381688-G-T.
Identifiers: ClinVar variation 373138 (VCV000373138.1), dbSNP rs1057518244, ClinGen allele CA16042805.
Genomic context (GRCh38, chr10:93,621,931, plus strand): 5'-TGCTCTATCTCTCCATAGCATACTTTATTCTAACTGTTTTCTTTTTGATACCTACTTTCA[G>T]ATCCTTATGTGGTCAGCCAATAAAGTATTTGAAGAACTCACAGATGTTGAGCGACAGTTT-3'

ClinVar aggregate classification (germline): Likely pathogenic (1 of 4 stars; one submission).

gnomAD v4.1: 1 of 1,613,448 alleles (0.000062%); no homozygotes.

Submission:

GeneDx
Classification: Likely pathogenic. Last evaluated: 2016-12-05. Review status: criteria provided, single submitter. Criteria: GeneDx Variant Classification (06012015). Collection method: clinical testing. Allele origin: germline. Affected: yes.
Comment: The c.724-1G>T variant in the PDE6C gene has not been reported previously as a pathogenic variant nor as a benign variant, to our knowledge. This splice site variant destroys the canonical splice acceptor site in intron 3. It is predicted to cause abnormal gene splicing, either leading to an abnormal message that is subject to nonsense-mediated mRNA decay, or to an abnormal protein product if the message is used for protein translation. The c.724-1G>T variant was not observed in approximately 6500 individuals of European and African American ancestry in the NHLBI Exome Sequencing Project, indicating it is not a common benign variant in these populations. Therefore, we interpret c.724-1G>T as a likely pathogenic variant.